The following is an entry in ClinVar:

NM_003001.5(SDHC):c.499G>T (p.Ala167Ser)

Gene: SDHC (succinate dehydrogenase complex subunit C; plus strand). Cytogenetic location: 1q23.3.
Variant type: single nucleotide variant.
Coding change: c.499G>T on transcript NM_003001.5 (MANE Select); coding-DNA position 499, G replaced by T.
Protein change: p.Ala167Ser; replaces alanine 167 with serine.
Molecular consequence: missense variant. On other transcripts: non-coding transcript variant (1).
Genome position (GRCh38, 1-based): chr1:161,362,422, G>T. VCF-style: chr1-161362422-G-T. GRCh37 (hg19) VCF-style: chr1-161332212-G-T.
Other names: c.335G>T, p.Gly112Val (NM_001035511.3); c.397G>T, p.Ala133Ser (NM_001035512.3); c.340G>T, p.Ala114Ser (NM_001035513.3); c.233G>T, p.Gly78Val (NM_001278172.3); c.619G>T, p.Ala207Ser (NM_001407115.1); c.442G>T, p.Ala148Ser (NM_001407116.1); c.436G>T, p.Ala146Ser (NM_001407117.1); c.391G>T, p.Ala131Ser (NM_001407118.1); and 2 more; short protein forms A146S, G112V, A114S, A167S, G78V, A133S, A148S, G93V.
Identifiers: ClinVar variation 5029311 (VCV005029311.1).

ClinVar aggregate classification (germline): Uncertain significance (1 of 4 stars; one submission).

Conditions:
Hereditary cancer-predisposing syndrome. Also called: Neoplastic Syndromes, Hereditary; Tumor predisposition; Hereditary neoplastic syndrome; Hereditary Cancer Syndrome. Identifiers: Orphanet 140162, MedGen C0027672, MeSH D009386, MONDO:0015356.

Submission:

Ambry Genetics
Classification: Uncertain significance for Hereditary cancer-predisposing syndrome. Last evaluated: 2026-07-06. Review status: criteria provided, single submitter. Criteria: Ambry Variant Classification Scheme 2023. Collection method: clinical testing. Allele origin: germline.
Comment: The p.A167S variant (also known as c.499G>T), located in coding exon 6 of the SDHC gene, results from a G to T substitution at nucleotide position 499. The alanine at codon 167 is replaced by serine, an amino acid with similar properties. This amino acid position is conserved. In addition, the in silico prediction for this alteration is inconclusive. Based on the available evidence, the clinical significance of this variant remains unclear.